The following is an entry in ClinVar:

ClinVar aggregate classification (germline): Uncertain significance (1 of 4 stars; one submission).

Conditions:
PURA-related severe neonatal hypotonia-seizures-encephalopathy syndrome (NEDRIHF). Also called: NEURODEVELOPMENTAL DISORDER WITH NEONATAL RESPIRATORY INSUFFICIENCY, HYPOTONIA, AND FEEDING DIFFICULTIES; PURA-Related Neurodevelopmental Disorders. Identifiers: Orphanet 438213, Orphanet 438216, MedGen C4015357, MONDO:1060108, OMIM 616158, MONDO:0018580.

gnomAD v4.1: 3 of 1,612,848 alleles (0.00019%); highest among the groups gnomAD compares: Non-Finnish European, 0.00025%; no homozygotes.

Submission:

Labcorp Genetics (formerly Invitae), Labcorp
Classification: Uncertain significance for PURA-related severe neonatal hypotonia-seizures-encephalopathy syndrome. Last evaluated: 2024-03-27. Review status: criteria provided, single submitter. Criteria: Invitae Variant Classification Sherloc (09022015). Collection method: clinical testing. Allele origin: germline.
Comment: This sequence change affects codon 177 of the PURA mRNA. It is a 'silent' change, meaning that it does not change the encoded amino acid sequence of the PURA protein. This variant is not present in population databases (gnomAD no frequency). This variant has not been reported in the literature in individuals affected with PURA-related conditions. In summary, the available evidence is currently insufficient to determine the role of this variant in disease. Therefore, it has been classified as a Variant of Uncertain Significance.

NM_005859.5(PURA):c.531G>T (p.Gly177=)

Gene: PURA (purine rich element binding protein A; plus strand). Cytogenetic location: 5q31.3.
Variant type: single nucleotide variant.
Coding change: c.531G>T on transcript NM_005859.5 (MANE Select); coding-DNA position 531, G replaced by T.
Protein change: p.Gly177=; no amino-acid change (glycine 177 retained).
Molecular consequence: synonymous variant.
Genome position (GRCh38, 1-based): chr5:140,114,712, G>T. VCF-style: chr5-140114712-G-T. GRCh37 (hg19) VCF-style: chr5-139494297-G-T.
Identifiers: ClinVar variation 3603706 (VCV003603706.2).
Genomic context (GRCh38, chr5:140,114,712, plus strand): 5'-GGATCTCAAGGAGAACCAGCGCGGCCGCTTCCTGCGCATCCGCCAGACGGTCAACCGGGG[G>T]CCTGGCCTGGGCTCCACGCAGGGCCAGACCATTGCGCTGCCCGCGCAGGGGCTCATCGAG-3'
Protein context (NP_005850.1, residues 167-187): FLRIRQTVNR[Gly177=]PGLGSTQGQT